The following is an entry in ClinVar:

NM_002890.3(RASA1):c.209A>G (p.Glu70Gly)

Gene: RASA1 (RAS p21 protein activator 1; plus strand). Cytogenetic location: 5q14.3.
Variant type: single nucleotide variant.
Coding change: c.209A>G on transcript NM_002890.3 (MANE Select); coding-DNA position 209, A replaced by G.
Protein change: p.Glu70Gly; replaces glutamic acid 70 with glycine.
Molecular consequence: missense variant.
Genome position (GRCh38, 1-based): chr5:87,268,660, A>G. VCF-style: chr5-87268660-A-G. GRCh37 (hg19) VCF-style: chr5-86564477-A-G.
Other names: short protein forms E70G.
Identifiers: ClinVar variation 354504 (VCV000354504.50), dbSNP rs146525982, ClinGen allele CA3335350.
Genomic context (GRCh38, chr5:87,268,660, plus strand): 5'-CTGGGCTGGTGGAGACCGGAGTGGCTGGAACTCTGGGTGGCGGAGCCGCTTTGGGGTCAG[A>G]GTTCCTAGGAGCCGGGTCTGTGGCAGGGGCACTGGGGGGAGCTGGACTGACAGGGGGAGG-3'
Protein context (NP_002881.1, residues 60-80): TLGGGAALGS[Glu70Gly]FLGAGSVAGA

ClinVar aggregate classification (germline): Benign/Likely benign. Review status: criteria provided, multiple submitters, no conflicts (2 of 4 stars). 6 submissions from 6 submitters: Benign (4); Likely benign (2). Last evaluated 2026-02-01.

Conditions:
Capillary malformation-arteriovenous malformation syndrome. Also called: Capillary malformation-arteriovenous malformation. Identifiers: Orphanet 137667, MedGen C1842180, MONDO:0012016.
Capillary malformation-arteriovenous malformation 1 (CMAVM1). Identifiers: Orphanet 137667, Orphanet 693907, MedGen C4747394, MONDO:0020783, OMIM 608354.
Cardiovascular phenotype. Identifiers: MedGen CN230736.

Allele frequency attached by ClinVar (database versions not stated): ESP Exome Variant Server 0.00046; TOPMed 0.00077; 1000 Genomes Project 30x 0.00156; 1000 Genomes Project 0.00180; gnomAD 0.00278 and 0.00280; gnomAD exomes 0.00363; ExAC 0.00367.
gnomAD v4.1: 2,895 of 1,610,944 alleles (0.18%); highest among the groups gnomAD compares: East Asian, 1.4%; 22 homozygotes.

Submissions (6):

Labcorp Genetics (formerly Invitae), Labcorp
Classification: Benign for Capillary malformation-arteriovenous malformation syndrome. Last evaluated: 2026-02-01. Review status: criteria provided, single submitter. Criteria: Invitae Variant Classification Sherloc (09022015). Collection method: clinical testing. Allele origin: germline.

Ambry Genetics
Classification: Benign for Cardiovascular phenotype. Last evaluated: 2024-04-16. Review status: criteria provided, single submitter. Criteria: Ambry Variant Classification Scheme 2023. Collection method: clinical testing. Allele origin: germline.

CeGaT Center for Human Genetics Tuebingen
Classification: Likely benign. Last evaluated: 2023-03-01. Review status: criteria provided, single submitter. Criteria: CeGaT Center For Human Genetics Tuebingen Variant Classification Criteria Version 2. Collection method: clinical testing. Allele origin: germline. Affected: yes. Observed: 2 variant alleles.
Comment: RASA1: BS1

GeneDx
Classification: Likely benign. Last evaluated: 2018-08-20. Review status: criteria provided, single submitter. Criteria: GeneDx Variant Classification Process June 2021. Collection method: clinical testing. Allele origin: germline. Affected: yes.

ARUP Laboratories, Molecular Genetics and Genomics, ARUP Laboratories
Classification: Benign. Last evaluated: 2018-02-07. Review status: criteria provided, single submitter. Criteria: ARUP Molecular Germline Variant Investigation Process. Collection method: clinical testing. Allele origin: germline.

Illumina Laboratory Services, Illumina
Classification: Benign for Capillary malformation-arteriovenous malformation 1. Last evaluated: 2018-01-12. Review status: criteria provided, single submitter. Criteria: ICSL Variant Classification Criteria 13 December 2019. Collection method: clinical testing. Allele origin: germline.
Comment: This variant was observed in the ICSL laboratory as part of a predisposition screen in an ostensibly healthy population. It had not been previously curated by ICSL or reported in the Human Gene Mutation Database (HGMD: prior to June 1st, 2018), and was therefore a candidate for classification through an automated scoring system. Utilizing variant allele frequency, disease prevalence and penetrance estimates, and inheritance mode, an automated score was calculated to assess if this variant is too frequent to cause the disease. Based on the score and internal cut-off values, a variant classified as benign is not then subjected to further curation. The score for this variant resulted in a classification of benign for this disease.